The following is an entry in ClinVar:

ClinVar aggregate classification (germline): Pathogenic/Likely pathogenic. Review status: criteria provided, multiple submitters, no conflicts (2 of 4 stars). 4 submissions from 4 submitters: Pathogenic (1); Likely pathogenic (3). Last evaluated 2025-06-22.

Conditions:
Carnitine deficiency. Identifiers: MedGen C1142132.
Renal carnitine transport defect (CDSP). Also called: Systemic primary carnitine deficiency; Carnitine transporter deficiency; Systemic primary carnitine deficiency disease; CARNITINE DEFICIENCY, SYSTEMIC, DUE TO DEFECT IN RENAL REABSORPTION OF CARNITINE; Primary carnitine deficiency; CARNITINE TRANSPORTER, PLASMA-MEMBRANE, DEFICIENCY OF. Identifiers: Orphanet 158, MedGen C0342788, MONDO:0008919, OMIM 212140.

Submissions (4):

Labcorp Genetics (formerly Invitae), Labcorp
Classification: Pathogenic for Renal carnitine transport defect. Last evaluated: 2025-06-22. Review status: criteria provided, single submitter. Criteria: Invitae Variant Classification Sherloc (09022015). Collection method: clinical testing. Allele origin: germline.
Comment: This sequence change creates a premature translational stop signal (p.Leu414Phefs*19) in the SLC22A5 gene. It is expected to result in an absent or disrupted protein product. Loss-of-function variants in SLC22A5 are known to be pathogenic (PMID: 9916797). This variant is not present in population databases (gnomAD no frequency). This variant has not been reported in the literature in individuals affected with SLC22A5-related conditions. ClinVar contains an entry for this variant (Variation ID: 1069784). For these reasons, this variant has been classified as Pathogenic.

Natera, Inc.
Classification: Likely pathogenic for Carnitine deficiency. Last evaluated: 2025-04-21. Review status: criteria provided, single submitter. Criteria: Natera Variant Classification Schema (03/2026). Collection method: clinical testing. Allele origin: germline.
Comment: The c.1240del variant in SLC22A5 is a frameshift variant predicted to shift the reading frame beginning at codon 414 and leads to a stop codon 19 codons downstream. This variant is expected to result in nonsense mediated decay, truncation, or a dysfunctional protein product. This variant is rare in the general population with a frequency below the threshold expected for the associated phenotype(s). Given the available evidence, this variant is classified as Likely Pathogenic.

Fulgent Genetics
Classification: Likely pathogenic for Renal carnitine transport defect. Last evaluated: 2024-05-15. Review status: criteria provided, single submitter. Criteria: ACMG Guidelines, 2015. Collection method: clinical testing. Allele origin: germline.

Baylor Genetics
Classification: Likely pathogenic for Renal carnitine transport defect. Last evaluated: 2023-11-11. Review status: criteria provided, single submitter. Criteria: ACMG Guidelines, 2015. Collection method: clinical testing. Allele origin: unknown.

Literature cited by the submitters: PubMed 9916797 (cited by Labcorp Genetics (formerly Invitae), Labcorp).

NM_003060.4(SLC22A5):c.1240del (p.Leu414fs)

Gene: SLC22A5 (solute carrier family 22 member 5; plus strand). Cytogenetic location: 5q31.1.
Variant type: Deletion.
Coding change: c.1240del on transcript NM_003060.4 (MANE Select); coding-DNA position 1240, one base deleted (C; older notation c.1240delC).
Protein change: p.Leu414fs; shifts the reading frame from leucine 414.
Molecular consequence: frameshift variant.
Genome position (GRCh38, 1-based): chr5:132,390,877, C deleted; the last of 2 consecutive C bases (chr5:132,390,876-132,390,877); deleting either gives the same sequence. VCF-style (leftmost placement, unchanged base first): chr5-132390875-TC-T. GRCh37 (hg19) VCF-style: chr5-131726567-TC-T.
Other names: c.1240del (NM_003060.3); c.1312del, p.Leu438fs (NM_001308122.2); short protein forms L414fs, L438fs.
Identifiers: ClinVar variation 1069784 (VCV001069784.12), dbSNP rs2126789878, ClinGen allele CA2499217561.